The following is an entry in ClinVar:

ClinVar aggregate classification (germline): Uncertain significance (1 of 4 stars; one submission).

Conditions:
Catecholaminergic polymorphic ventricular tachycardia (CVPT). Also called: Catecholamine-induced polymorphic ventricular tachycardia. Identifiers: Orphanet 3286, MedGen C5574922, MONDO:0017990.

gnomAD v4.1: 5 of 1,606,004 alleles (0.00031%); highest among the groups gnomAD compares: Non-Finnish European, 0.00043%; no homozygotes.

Submission:

All of Us Research Program, National Institutes of Health
Classification: Uncertain significance for Catecholaminergic polymorphic ventricular tachycardia. Last evaluated: 2024-02-22. Review status: criteria provided, single submitter. Criteria: ACMG Guidelines, 2015. Collection method: clinical testing. Allele origin: germline. Inheritance: Autosomal dominant inheritance. Observed: 1 variant allele, 1 heterozygote.
Comment: This missense variant replaces leucine with isoleucine at codon 4533 of the RYR2 protein. Computational prediction suggests that this variant may not impact protein structure and function (internally defined REVEL score threshold <= 0.5, PMID: 27666373). To our knowledge, functional studies have not been reported for this variant. This variant has not been reported in individuals affected with RYR2-related disorders in the literature. This variant has not been identified in the general population by the Genome Aggregation Database (gnomAD). The available evidence is insufficient to determine the role of this variant in disease conclusively. Therefore, this variant is classified as a Variant of Uncertain Significance.

This study involves interpretation of variants in research participants for the purpose of population health screening. Participant phenotype was not available at the time of variant classification. Additional details can be found in publication PMID: 35346344, PMCID: PMC8962531

NM_001035.3(RYR2):c.13597C>A (p.Leu4533Ile)

Gene: RYR2 (ryanodine receptor 2; plus strand). Cytogenetic location: 1q43.
Variant type: single nucleotide variant.
Coding change: c.13597C>A on transcript NM_001035.3 (MANE Select); coding-DNA position 13597, C replaced by A.
Protein change: p.Leu4533Ile; replaces leucine 4533 with isoleucine.
Molecular consequence: missense variant.
Genome position (GRCh38, 1-based): chr1:237,792,138, C>A. VCF-style: chr1-237792138-C-A. GRCh37 (hg19) VCF-style: chr1-237955438-C-A.
Other names: short protein forms L4533I.
Identifiers: ClinVar variation 3385867 (VCV003385867.1).